The following is an entry in ClinVar:

ClinVar aggregate classification (germline): Likely pathogenic (1 of 4 stars; one submission).

Conditions:
PIEZO2-related disorder. Also called: PIEZO2-related disorders; PIEZO2-related condition.

Submission:

PreventionGenetics, part of Exact Sciences
Classification: Likely pathogenic for PIEZO2-related condition. Last evaluated: 2026-03-16. Review status: criteria provided, single submitter. Criteria: ACMG Guidelines, 2015. Collection method: clinical testing. Allele origin: germline.
Comment: The PIEZO2 c.7095G>T variant is predicted to result in the amino acid substitution p.Trp2365Cys. To our knowledge, this variant has not been reported in the literature or in a large population database (gnomAD), indicating this variant is rare. De novo variants have been reported as pathogenic in individuals with PIEZO2-related disease (Pu et al. 2023. PubMed ID: 37587573; Akinci et al. 2025. PubMed ID: 40674812; McMillin et al. 2014. PubMed ID: 24726473). Based on this evidence, we classify this variant as likely pathogenic.

NM_001378183.1(PIEZO2):c.7434G>T (p.Trp2478Cys)

Gene: PIEZO2 (piezo type mechanosensitive ion channel component 2; minus strand). Cytogenetic location: 18p11.22.
Variant type: single nucleotide variant.
Coding change: c.7434G>T on transcript NM_001378183.1 (MANE Select); coding-DNA position 7434, G replaced by T.
Protein change: p.Trp2478Cys; replaces tryptophan 2478 with cysteine.
Molecular consequence: missense variant.
Genome position (GRCh38, 1-based): chr18:10,689,718, C>A on the plus strand (G>T on the coding strand, the complement: PIEZO2 is on the minus strand). VCF-style: chr18-10689718-C-A. GRCh37 (hg19) VCF-style: chr18-10689716-C-A.
Other names: c.7170G>T, p.Trp2390Cys (NM_001410871.1); c.7095G>T, p.Trp2365Cys (NM_022068.4); short protein forms W2390C, W2478C, W2365C.
Identifiers: ClinVar variation 4983256 (VCV004983256.1).